The following is an entry in ClinVar:

NM_014915.3(ANKRD26):c.751A>C (p.Lys251Gln)

Gene: ANKRD26 (ankyrin repeat domain containing 26; minus strand). Cytogenetic location: 10p12.1.
Variant type: single nucleotide variant.
Coding change: c.751A>C on transcript NM_014915.3 (MANE Select); coding-DNA position 751, A replaced by C.
Protein change: p.Lys251Gln; replaces lysine 251 with glutamine.
Molecular consequence: missense variant.
Genome position (GRCh38, 1-based): chr10:27,079,151, T>G on the plus strand (A>C on the coding strand, the complement: ANKRD26 is on the minus strand). VCF-style: chr10-27079151-T-G. GRCh37 (hg19) VCF-style: chr10-27368080-T-G.
Other names: c.751A>C, p.Lys251Gln (NM_001256053.2); short protein forms K251Q.
Identifiers: ClinVar variation 3396523 (VCV003396523.1).
Genomic context (GRCh38, chr10:27,079,151, plus strand): 5'-TAGTATCAAAATTGAGGTCTTCGTCATCTGAGGTAGGCCATGAATCATCAACACCCGGTT[T>G]GCCAGAAAGCCTTTAGAACAAAAATATAGAAAAATGAGTGAATTCATTTCTTTAAAAACA-3'
Protein context (NP_055730.2, residues 241-261): SEDSLSRLSG[Lys251Gln]PGVDDSWPTS

ClinVar aggregate classification (germline): Uncertain significance (1 of 4 stars; one submission).

Conditions:
Inborn genetic diseases. Identifiers: MedGen C0950123, MeSH D030342.

Submission:

Ambry Genetics
Classification: Uncertain significance for Inborn genetic diseases. Last evaluated: 2024-10-04. Review status: criteria provided, single submitter. Criteria: Ambry Variant Classification Scheme 2023. Collection method: clinical testing. Allele origin: germline.
Comment: The p.K251Q variant (also known as c.751A>C), located in coding exon 7 of the ANKRD26 gene, results from an A to C substitution at nucleotide position 751. The lysine at codon 251 is replaced by glutamine, an amino acid with similar properties. This amino acid position is conserved. In addition, this alteration is predicted to be tolerated by in silico analysis. Based on the available evidence, the clinical significance of this variant remains unclear.